The following is an entry in ClinVar:

ClinVar aggregate classification (germline): Uncertain significance (1 of 4 stars; one submission).

Conditions:
Alstrom syndrome (ALMS). Identifiers: Orphanet 64, MedGen C0268425, MONDO:0008763, OMIM 203800.

Submission:

Labcorp Genetics (formerly Invitae), Labcorp
Classification: Uncertain significance for Alstrom syndrome. Last evaluated: 2022-03-04. Review status: criteria provided, single submitter. Criteria: Invitae Variant Classification Sherloc (09022015). Collection method: clinical testing. Allele origin: germline.
Comment: This sequence change replaces alanine, which is neutral and non-polar, with valine, which is neutral and non-polar, at codon 1883 of the ALMS1 protein (p.Ala1883Val). This variant is not present in population databases (gnomAD no frequency). This variant has not been reported in the literature in individuals affected with ALMS1-related conditions. Experimental studies and prediction algorithms are not available or were not evaluated, and the functional significance of this variant is currently unknown. In summary, the available evidence is currently insufficient to determine the role of this variant in disease. Therefore, it has been classified as a Variant of Uncertain Significance.

NM_001378454.1(ALMS1):c.5645C>T (p.Ala1882Val)

Gene: ALMS1 (ALMS1 centrosome and basal body associated protein; plus strand). Cytogenetic location: 2p13.1.
Variant type: single nucleotide variant.
Coding change: c.5645C>T on transcript NM_001378454.1 (MANE Select); coding-DNA position 5645, C replaced by T.
Protein change: p.Ala1882Val; replaces alanine 1882 with valine.
Molecular consequence: missense variant.
Genome position (GRCh38, 1-based): chr2:73,452,172, C>T. VCF-style: chr2-73452172-C-T. GRCh37 (hg19) VCF-style: chr2-73679299-C-T.
Other names: c.5648C>T, p.Ala1883Val (NM_015120.4); short protein forms A1882V, A1883V.
Identifiers: ClinVar variation 1940081 (VCV001940081.2), dbSNP rs2466106065, ClinGen allele CA347282834.